The following is an entry in ClinVar:

ClinVar aggregate classification (germline): Uncertain significance (1 of 4 stars; one submission).

Conditions:
Familial adenomatous polyposis 1 (FAP1). Also called: POLYPOSIS, ADENOMATOUS INTESTINAL; FAMILIAL ADENOMATOUS POLYPOSIS 1, ATTENUATED. Identifiers: MedGen C2713442, MONDO:0021056, OMIM 175100. Disease mechanism: loss of function.

Allele frequency attached by ClinVar (database versions not stated): gnomAD exomes below 0.00001.

Submission:

Labcorp Genetics (formerly Invitae), Labcorp
Classification: Uncertain significance for Familial adenomatous polyposis 1. Last evaluated: 2022-10-18. Review status: criteria provided, single submitter. Criteria: Invitae Variant Classification Sherloc (09022015). Collection method: clinical testing. Allele origin: germline.
Comment: In summary, the available evidence is currently insufficient to determine the role of this variant in disease. Therefore, it has been classified as a Variant of Uncertain Significance. Advanced modeling of protein sequence and biophysical properties (such as structural, functional, and spatial information, amino acid conservation, physicochemical variation, residue mobility, and thermodynamic stability) performed at Invitae indicates that this missense variant is not expected to disrupt APC protein function. ClinVar contains an entry for this variant (Variation ID: 469961). This variant has not been reported in the literature in individuals affected with APC-related conditions. This variant is present in population databases (no rsID available, gnomAD 0.006%). This sequence change replaces proline, which is neutral and non-polar, with alanine, which is neutral and non-polar, at codon 1441 of the APC protein (p.Pro1441Ala).

NM_000038.6(APC):c.4321C>G (p.Pro1441Ala)

Gene: APC (APC regulator of Wnt signaling pathway; plus strand). Cytogenetic location: 5q22.2.
Variant type: single nucleotide variant.
Coding change: c.4321C>G on transcript NM_000038.6 (MANE Select); coding-DNA position 4321, C replaced by G.
Protein change: p.Pro1441Ala; replaces proline 1441 with alanine.
Molecular consequence: missense variant.
Genome position (GRCh38, 1-based): chr5:112,839,915, C>G. VCF-style: chr5-112839915-C-G. GRCh37 (hg19) VCF-style: chr5-112175612-C-G.
Other names: c.4321C>G, p.Pro1441Ala (NM_001127510.3, NM_001354895.2); c.4267C>G, p.Pro1423Ala (NM_001127511.3); c.4375C>G, p.Pro1459Ala (NM_001354896.2); c.4351C>G, p.Pro1451Ala (NM_001354897.2); c.4246C>G, p.Pro1416Ala (NM_001354898.2); c.4237C>G, p.Pro1413Ala (NM_001354899.2); c.4198C>G, p.Pro1400Ala (NM_001354900.2); c.4144C>G, p.Pro1382Ala (NM_001354901.2); and 5 more; short protein forms P1423A, P1441A, P1315A, P1382A, P1400A, P1350A, P1413A, P1416A.
Identifiers: ClinVar variation 469961 (VCV000469961.10), dbSNP rs1238782537, ClinGen allele CA16030802.